The following is an entry in ClinVar:

NM_001145358.2(SIN3A):c.946A>C (p.Asn316His)

Gene: SIN3A (SIN3 transcription regulator family member A; minus strand). Cytogenetic location: 15q24.2.
Variant type: single nucleotide variant.
Coding change: c.946A>C on transcript NM_001145358.2 (MANE Select); coding-DNA position 946, A replaced by C.
Protein change: p.Asn316His; replaces asparagine 316 with histidine.
Molecular consequence: missense variant.
Genome position (GRCh38, 1-based): chr15:75,411,554, T>G on the plus strand (A>C on the coding strand, the complement: SIN3A is on the minus strand). VCF-style: chr15-75411554-T-G. GRCh37 (hg19) VCF-style: chr15-75703895-T-G.
Other names: c.946A>C, p.Asn316His (NM_001145357.2, NM_001437462.1, NM_001437463.1 and 1 more transcripts); short protein forms N316H.
Identifiers: ClinVar variation 4529809 (VCV004529809.1).
Genomic context (GRCh38, chr15:75,411,554, plus strand): 5'-GATATGTGTGCAAAATCTCCAGGAATGCTTTGTAGATGTCTGGTTGGCCCTGAAATCTGT[T>G]CTTGATCTTATTAACATAGTTGATGGCATGATTAAACTCCACAGGTTGATTGTTCTGCAA-3'
Protein context (NP_001138830.1, residues 306-326): HAINYVNKIK[Asn316His]RFQGQPDIYK

ClinVar aggregate classification (germline): Uncertain significance (1 of 4 stars; one submission).

Submission:

GeneDx
Classification: Uncertain significance. Last evaluated: 2025-05-06. Review status: criteria provided, single submitter. Criteria: GeneDx Variant Classification Process June 2021. Collection method: clinical testing. Allele origin: germline. Affected: yes.
Comment: Not observed at significant frequency in large population cohorts (gnomAD); In silico analysis supports that this missense variant has a deleterious effect on protein structure/function; Has not been previously published as pathogenic or benign to our knowledge